The following is an entry in ClinVar:

ClinVar aggregate classification (germline): Uncertain significance (1 of 4 stars; one submission).

Conditions:
Desmin-related myofibrillar myopathy (MFM1). Also called: Desminopathy; Desmin related myopathy (former name); Desmin storage myopathy (former name); Myofibrillar myopathy 1; MYOFIBRILLAR MYOPATHY WITH ARRHYTHMOGENIC RIGHT VENTRICULAR CARDIOMYOPATHY; DESMIN-RELATED MYOPATHY WITH ARRHYTHMOGENIC RIGHT VENTRICULAR CARDIOMYOPATHY. Identifiers: Orphanet 363543, Orphanet 98909, MedGen C1832370, MONDO:0011076, OMIM 601419.

Submission:

Labcorp Genetics (formerly Invitae), Labcorp
Classification: Uncertain significance for Desmin-related myofibrillar myopathy. Last evaluated: 2025-06-02. Review status: criteria provided, single submitter. Criteria: Invitae Variant Classification Sherloc (09022015). Collection method: clinical testing. Allele origin: germline.
Comment: This sequence change replaces leucine, which is neutral and non-polar, with phenylalanine, which is neutral and non-polar, at codon 377 of the DES protein (p.Leu377Phe). This variant is not present in population databases (gnomAD no frequency). This variant has not been reported in the literature in individuals affected with DES-related conditions. Invitae Evidence Modeling of protein sequence and biophysical properties (such as structural, functional, and spatial information, amino acid conservation, physicochemical variation, residue mobility, and thermodynamic stability) has been performed for this missense variant. However, the output from this modeling did not meet the statistical confidence thresholds required to predict the impact of this variant on DES protein function. In summary, the available evidence is currently insufficient to determine the role of this variant in disease. Therefore, it has been classified as a Variant of Uncertain Significance.

NM_001927.4(DES):c.1129C>T (p.Leu377Phe)

Gene: DES (desmin; plus strand). Cytogenetic location: 2q35.
Variant type: single nucleotide variant.
Coding change: c.1129C>T on transcript NM_001927.4 (MANE Select); coding-DNA position 1129, C replaced by T.
Protein change: p.Leu377Phe; replaces leucine 377 with phenylalanine.
Molecular consequence: missense variant. On other transcripts: intron variant (1).
Genome position (GRCh38, 1-based): chr2:219,421,445, C>T. VCF-style: chr2-219421445-C-T. GRCh37 (hg19) VCF-style: chr2-220286167-C-T.
Other names: c.1126C>T, p.Leu376Phe (NM_001382708.1); c.1060C>T, p.Leu354Phe (NM_001382710.1); c.1108C>T, p.Leu370Phe (NM_001382711.1); c.1129C>T, p.Leu377Phe (NM_001382712.1); c.859C>T, p.Leu287Phe (NM_001382713.1); c.736-39C>T (NM_001382709.1); short protein forms L287F, L370F, L376F, L377F, L354F.
Identifiers: ClinVar variation 4788394 (VCV004788394.1).